The following is an entry in ClinVar:

NM_000038.6(APC):c.6742A>C (p.Lys2248Gln)

Gene: APC (APC regulator of Wnt signaling pathway; plus strand). Cytogenetic location: 5q22.2.
Variant type: single nucleotide variant.
Coding change: c.6742A>C on transcript NM_000038.6 (MANE Select); coding-DNA position 6742, A replaced by C.
Protein change: p.Lys2248Gln; replaces lysine 2248 with glutamine.
Molecular consequence: missense variant.
Genome position (GRCh38, 1-based): chr5:112,842,336, A>C. VCF-style: chr5-112842336-A-C. GRCh37 (hg19) VCF-style: chr5-112178033-A-C.
Other names: c.6742A>C, p.Lys2248Gln (NM_001127510.3, NM_001354895.2); c.6688A>C, p.Lys2230Gln (NM_001127511.3); c.6796A>C, p.Lys2266Gln (NM_001354896.2); c.6772A>C, p.Lys2258Gln (NM_001354897.2); c.6667A>C, p.Lys2223Gln (NM_001354898.2); c.6658A>C, p.Lys2220Gln (NM_001354899.2); c.6619A>C, p.Lys2207Gln (NM_001354900.2); c.6565A>C, p.Lys2189Gln (NM_001354901.2); and 5 more; short protein forms K2157Q, K2189Q, K2230Q, K1965Q, K2122Q, K2147Q, K2220Q, K2258Q.
Identifiers: ClinVar variation 826595 (VCV000826595.11), dbSNP rs1580674179, ClinGen allele CA16036063.

ClinVar aggregate classification (germline): Uncertain significance. Review status: criteria provided, multiple submitters, no conflicts (2 of 4 stars). 3 submissions from 3 submitters: Uncertain significance (3). Last evaluated 2024-11-25.

Conditions:
Hereditary cancer-predisposing syndrome. Also called: Neoplastic Syndromes, Hereditary; Tumor predisposition; Hereditary neoplastic syndrome; Hereditary Cancer Syndrome. Identifiers: Orphanet 140162, MedGen C0027672, MeSH D009386, MONDO:0015356.
Familial adenomatous polyposis 1 (FAP1). Also called: POLYPOSIS, ADENOMATOUS INTESTINAL; FAMILIAL ADENOMATOUS POLYPOSIS 1, ATTENUATED. Identifiers: MedGen C2713442, MONDO:0021056, OMIM 175100. Disease mechanism: loss of function.

Submissions (3):

GeneDx
Classification: Uncertain significance. Last evaluated: 2024-11-25. Review status: criteria provided, single submitter. Criteria: GeneDx Variant Classification Process June 2021. Collection method: clinical testing. Allele origin: germline. Affected: yes.
Comment: Not observed at significant frequency in large population cohorts (gnomAD); In silico analysis indicates that this missense variant does not alter protein structure/function; Has not been previously published as pathogenic or benign to our knowledge; This variant is associated with the following publications: (PMID: 18199528)

Ambry Genetics
Classification: Uncertain significance for Hereditary cancer-predisposing syndrome. Last evaluated: 2023-11-16. Review status: criteria provided, single submitter. Criteria: Ambry Variant Classification Scheme 2023. Collection method: clinical testing. Allele origin: germline.
Comment: The p.K2248Q variant (also known as c.6742A>C), located in coding exon 15 of the APC gene, results from an A to C substitution at nucleotide position 6742. The lysine at codon 2248 is replaced by glutamine, an amino acid with similar properties. This amino acid position is well conserved in available vertebrate species. In addition, in silico predictors for this gene do not accurately predict pathogenicity. Since supporting evidence is limited at this time, the clinical significance of this alteration remains unclear.

Labcorp Genetics (formerly Invitae), Labcorp
Classification: Uncertain significance for Familial adenomatous polyposis 1. Last evaluated: 2023-04-12. Review status: criteria provided, single submitter. Criteria: Invitae Variant Classification Sherloc (09022015). Collection method: clinical testing. Allele origin: germline.
Comment: In summary, the available evidence is currently insufficient to determine the role of this variant in disease. Therefore, it has been classified as a Variant of Uncertain Significance. Advanced modeling of protein sequence and biophysical properties (such as structural, functional, and spatial information, amino acid conservation, physicochemical variation, residue mobility, and thermodynamic stability) performed at Invitae indicates that this missense variant is not expected to disrupt APC protein function. ClinVar contains an entry for this variant (Variation ID: 826595). This variant has not been reported in the literature in individuals affected with APC-related conditions. This variant is not present in population databases (gnomAD no frequency). This sequence change replaces lysine, which is basic and polar, with glutamine, which is neutral and polar, at codon 2248 of the APC protein (p.Lys2248Gln).